The following is an entry in ClinVar:

NM_007215.4(POLG2):c.385del (p.Asp129fs)

Genes: MILR1 (mast cell immunoglobulin like receptor 1; plus strand), POLG2 (DNA polymerase gamma 2, accessory subunit; minus strand). Cytogenetic location: 17q23.3.
Variant type: Deletion.
Coding change: c.385del on transcript NM_007215.4 (MANE Select); coding-DNA position 385, one base deleted (G; older notation c.385delG).
Protein change: p.Asp129fs; shifts the reading frame from aspartic acid 129.
Molecular consequence: frameshift variant.
Genome position (GRCh38, 1-based): chr17:64,496,584, C deleted on the plus strand (G on the coding strand, the reverse complement: POLG2 is on the minus strand); the first of 2 consecutive C bases (chr17:64,496,584-64,496,585); deleting either gives the same sequence. VCF-style (leftmost placement, unchanged base first): chr17-64496583-TC-T. GRCh37 (hg19) VCF-style: chr17-62492701-TC-T.
Other names: short protein forms D129fs.
Identifiers: ClinVar variation 2183406 (VCV002183406.4), dbSNP rs1334975553, ClinGen allele CA774043408.

ClinVar aggregate classification (germline): Pathogenic (1 of 4 stars; one submission).

Submission:

Labcorp Genetics (formerly Invitae), Labcorp
Classification: Pathogenic. Last evaluated: 2022-10-03. Review status: criteria provided, single submitter. Criteria: Invitae Variant Classification Sherloc (09022015). Collection method: clinical testing. Allele origin: germline.
Comment: For these reasons, this variant has been classified as Pathogenic. This variant has not been reported in the literature in individuals affected with POLG2-related conditions. This variant is not present in population databases (gnomAD no frequency). This sequence change creates a premature translational stop signal (p.Asp129Thrfs*19) in the POLG2 gene. It is expected to result in an absent or disrupted protein product. Loss-of-function variants in POLG2 are known to be pathogenic (PMID: 28078310, 29625556).

Literature cited by the submitters: PubMed 28078310; PubMed 29625556.